The following is an entry in ClinVar:

NM_206926.2(SELENON):c.370A>G (p.Ile124Val)

Gene: SELENON (selenoprotein N; plus strand). Cytogenetic location: 1p36.11.
Variant type: single nucleotide variant.
Coding change: c.370A>G on transcript NM_206926.2 (MANE Select); coding-DNA position 370, A replaced by G.
Protein change: p.Ile124Val; replaces isoleucine 124 with valine.
Molecular consequence: missense variant.
Genome position (GRCh38, 1-based): chr1:25,805,210, A>G. VCF-style: chr1-25805210-A-G. GRCh37 (hg19) VCF-style: chr1-26131701-A-G.
Other names: c.472A>G, p.Ile158Val (NM_020451.3); short protein forms I158V, I124V.
Identifiers: ClinVar variation 1465874 (VCV001465874.6), dbSNP rs2047895777, ClinGen allele CA339109959.

ClinVar aggregate classification (germline): Uncertain significance (1 of 4 stars; one submission).

Conditions:
Eichsfeld type congenital muscular dystrophy (CMYO3). Also called: MYOPATHY, SEPN1-RELATED; SELENON-related myopathy; Congenital myopathy 3 with rigid spine; Rigid spine muscular dystrophy 1. Identifiers: MedGen C0410180, MONDO:0100100, OMIM 602771.

Allele frequency attached by ClinVar (database versions not stated): gnomAD exomes below 0.00001.
gnomAD v4.1: 4 of 1,614,192 alleles (0.00025%); highest among the groups gnomAD compares: East Asian, 0.0022%; no homozygotes.

Submission:

Labcorp Genetics (formerly Invitae), Labcorp
Classification: Uncertain significance for Eichsfeld type congenital muscular dystrophy. Last evaluated: 2024-10-18. Review status: criteria provided, single submitter. Criteria: Invitae Variant Classification Sherloc (09022015). Collection method: clinical testing. Allele origin: germline.
Comment: This sequence change replaces isoleucine, which is neutral and non-polar, with valine, which is neutral and non-polar, at codon 158 of the SELENON protein (p.Ile158Val). This variant is not present in population databases (gnomAD no frequency). This variant has not been reported in the literature in individuals affected with SELENON-related conditions. ClinVar contains an entry for this variant (Variation ID: 1465874). An algorithm developed to predict the effect of missense changes on protein structure and function (PolyPhen-2) suggests that this variant is likely to be tolerated. In summary, the available evidence is currently insufficient to determine the role of this variant in disease. Therefore, it has been classified as a Variant of Uncertain Significance.